The following is an entry in ClinVar:

NM_000038.6(APC):c.8328T>C (p.Thr2776=)

Gene: APC (APC regulator of Wnt signaling pathway; plus strand). Cytogenetic location: 5q22.2.
Variant type: single nucleotide variant.
Coding change: c.8328T>C on transcript NM_000038.6 (MANE Select); coding-DNA position 8328, T replaced by C.
Protein change: p.Thr2776=; no amino-acid change (threonine 2776 retained).
Molecular consequence: synonymous variant. On other transcripts: non-coding transcript variant (2).
Genome position (GRCh38, 1-based): chr5:112,843,922, T>C. VCF-style: chr5-112843922-T-C. GRCh37 (hg19) VCF-style: chr5-112179619-T-C.
Other names: c.8328T>C, p.Thr2776= (NM_001127510.3, NM_001354895.2, NM_001407450.1); c.8274T>C, p.Thr2758= (NM_001127511.3); c.8382T>C, p.Thr2794= (NM_001354896.2, NM_001407447.1, NM_001407448.1 and 1 more transcripts); c.8358T>C, p.Thr2786= (NM_001354897.2); c.8253T>C, p.Thr2751= (NM_001354898.2); c.8244T>C, p.Thr2748= (NM_001354899.2); c.8205T>C, p.Thr2735= (NM_001354900.2); c.8151T>C, p.Thr2717= (NM_001354901.2, NM_001407453.1); and 11 more.
Identifiers: ClinVar variation 2163420 (VCV002163420.5), dbSNP rs776639348, ClinGen allele CA446211484.

ClinVar aggregate classification (germline): Benign/Likely benign. Review status: criteria provided, multiple submitters, no conflicts (2 of 4 stars). 2 submissions from 2 submitters: Benign (1); Likely benign (1). Last evaluated 2025-07-31.

Conditions:
Familial adenomatous polyposis 1 (FAP1). Also called: POLYPOSIS, ADENOMATOUS INTESTINAL; FAMILIAL ADENOMATOUS POLYPOSIS 1, ATTENUATED. Identifiers: MedGen C2713442, MONDO:0021056, OMIM 175100. Disease mechanism: loss of function.

Submissions (2):

Labcorp Genetics (formerly Invitae), Labcorp
Classification: Likely benign for Familial adenomatous polyposis 1. Last evaluated: 2025-07-31. Review status: criteria provided, single submitter. Criteria: Invitae Variant Classification Sherloc (09022015). Collection method: clinical testing. Allele origin: germline.

Myriad Genetics, Inc.
Classification: Benign for Familial adenomatous polyposis 1. Last evaluated: 2024-04-15. Review status: criteria provided, single submitter. Criteria: Myriad Autosomal Dominant, Autosomal Recessive and X-Linked Classification Criteria (2023). Collection method: clinical testing. Allele origin: unknown.
Comment: This variant is considered benign. This variant is a silent/synonymous amino acid change and it is not expected to impact splicing.